The following is an entry in ClinVar:

ClinVar aggregate classification (germline): Uncertain significance (1 of 4 stars; one submission).

Conditions:
3-methylglutaconic aciduria type 1 (MGCA1). Identifiers: Orphanet 67046, MedGen C0342727, MONDO:0009610, OMIM 250950.

Allele frequency attached by ClinVar (database versions not stated): gnomAD exomes below 0.00001; gnomAD 0.00001; TOPMed 0.00003.
gnomAD v4.1: 9 of 1,613,728 alleles (0.00056%); highest among the groups gnomAD compares: Admixed American, 0.0017%; no homozygotes.

Submission:

Labcorp Genetics (formerly Invitae), Labcorp
Classification: Uncertain significance for 3-methylglutaconic aciduria type 1. Last evaluated: 2023-10-03. Review status: criteria provided, single submitter. Criteria: Invitae Variant Classification Sherloc (09022015). Collection method: clinical testing. Allele origin: germline.
Comment: This sequence change replaces proline, which is neutral and non-polar, with arginine, which is basic and polar, at codon 156 of the AUH protein (p.Pro156Arg). This variant is present in population databases (no rsID available, gnomAD 0.0009%). This variant has not been reported in the literature in individuals affected with AUH-related conditions. ClinVar contains an entry for this variant (Variation ID: 1903602). Advanced modeling of protein sequence and biophysical properties (such as structural, functional, and spatial information, amino acid conservation, physicochemical variation, residue mobility, and thermodynamic stability) performed at Invitae indicates that this missense variant is not expected to disrupt AUH protein function. In summary, the available evidence is currently insufficient to determine the role of this variant in disease. Therefore, it has been classified as a Variant of Uncertain Significance.

NM_001698.3(AUH):c.467C>G (p.Pro156Arg)

Gene: AUH (AU RNA binding methylglutaconyl-CoA hydratase; minus strand). Cytogenetic location: 9q22.31.
Variant type: single nucleotide variant.
Coding change: c.467C>G on transcript NM_001698.3 (MANE Select); coding-DNA position 467, C replaced by G.
Protein change: p.Pro156Arg; replaces proline 156 with arginine.
Molecular consequence: missense variant. On other transcripts: intron variant (1).
Genome position (GRCh38, 1-based): chr9:91,325,356, G>C on the plus strand (C>G on the coding strand, the complement: AUH is on the minus strand). VCF-style: chr9-91325356-G-C. GRCh37 (hg19) VCF-style: chr9-94087638-G-C.
Other names: c.140C>G, p.Pro47Arg (NM_001351431.2, NM_001351432.2, NM_001351433.2); c.419-27280C>G (NM_001306190.2); short protein forms P156R, P47R.
Identifiers: ClinVar variation 1903602 (VCV001903602.3), dbSNP rs900282826, ClinGen allele CA195914619.